The following is an entry in ClinVar:

ClinVar aggregate classification (germline): Uncertain significance. Review status: criteria provided, multiple submitters, no conflicts (2 of 4 stars). 2 submissions from 2 submitters: Uncertain significance (2). Last evaluated 2026-08-24.

Conditions:
BBS10-related disorder. Also called: BBS10-related condition.

Submissions (2):

PreventionGenetics, part of Exact Sciences
Classification: Uncertain significance for BBS10-related condition. Last evaluated: 2026-08-24. Review status: criteria provided, single submitter. Criteria: ACMG Guidelines, 2015. Collection method: clinical testing. Allele origin: germline.
Comment: The BBS10 c.231A>T variant is predicted to result in the amino acid substitution p.Lys77Asn. To our knowledge, this variant has not been reported in the literature. This variant is reported in 0.0016% of alleles in individuals of European (Non-Finnish) descent in gnomAD. At this time, the clinical significance of this variant is uncertain due to the absence of conclusive functional and genetic evidence.

Blueprint Genetics
Classification: Uncertain significance. Last evaluated: 2021-12-03. Review status: criteria provided, single submitter. Criteria: ACMG Guidelines, 2015. Collection method: clinical testing. Allele origin: germline.

NM_024685.4(BBS10):c.231A>T (p.Lys77Asn)

Gene: BBS10 (Bardet-Biedl syndrome 10; minus strand). Cytogenetic location: 12q21.2.
Variant type: single nucleotide variant.
Coding change: c.231A>T on transcript NM_024685.4 (MANE Select); coding-DNA position 231, A replaced by T.
Protein change: p.Lys77Asn; replaces lysine 77 with asparagine.
Molecular consequence: missense variant.
Genome position (GRCh38, 1-based): chr12:76,347,754, T>A on the plus strand (A>T on the coding strand, the complement: BBS10 is on the minus strand). VCF-style: chr12-76347754-T-A. GRCh37 (hg19) VCF-style: chr12-76741534-T-A.
Other names: c.231A>T (NM_024685.3); short protein forms K77N.
Identifiers: ClinVar variation 4917643 (VCV004917643.2).